The following is an entry in ClinVar:

ClinVar aggregate classification (germline): Uncertain significance (1 of 4 stars; one submission).

Conditions:
Hereditary cancer-predisposing syndrome. Also called: Tumor predisposition; Hereditary neoplastic syndrome; Hereditary Cancer Syndrome; Neoplastic Syndromes, Hereditary. Identifiers: Orphanet 140162, MedGen C0027672, MeSH D009386, MONDO:0015356.

Allele frequency attached by ClinVar (database versions not stated): gnomAD exomes below 0.00001.
gnomAD v4.1: 1 of 1,613,986 alleles (0.000062%); highest among the groups gnomAD compares: South Asian, 0.0011%; no homozygotes.

Submission:

Ambry Genetics
Classification: Uncertain significance for Hereditary cancer-predisposing syndrome. Last evaluated: 2024-02-26. Review status: criteria provided, single submitter. Criteria: Ambry Variant Classification Scheme 2023. Collection method: clinical testing. Allele origin: germline.
Comment: The p.L720P variant (also known as c.2159T>C), located in coding exon 12 of the ALK gene, results from a T to C substitution at nucleotide position 2159. The leucine at codon 720 is replaced by proline, an amino acid with similar properties. This amino acid position is conserved. In addition, this alteration is predicted to be deleterious by in silico analysis. Based on the available evidence, the clinical significance of this alteration remains unclear.

NM_004304.5(ALK):c.2159T>C (p.Leu720Pro)

Gene: ALK (ALK receptor tyrosine kinase; minus strand). Cytogenetic location: 2p23.2.
Variant type: single nucleotide variant.
Coding change: c.2159T>C on transcript NM_004304.5 (MANE Select); coding-DNA position 2159, T replaced by C.
Protein change: p.Leu720Pro; replaces leucine 720 with proline.
Molecular consequence: missense variant.
Genome position (GRCh38, 1-based): chr2:29,251,150, A>G on the plus strand (T>C on the coding strand, the complement: ALK is on the minus strand). VCF-style: chr2-29251150-A-G. GRCh37 (hg19) VCF-style: chr2-29474016-A-G.
Other names: short protein forms L720P.
Identifiers: ClinVar variation 3223821 (VCV003223821.1), dbSNP rs1336406369, ClinGen allele CA346476835.